The following is an entry in ClinVar:

NM_201253.3(CRB1):c.3173A>G (p.Glu1058Gly)

Gene: CRB1 (crumbs cell polarity complex component 1; plus strand). Cytogenetic location: 1q31.3.
Variant type: single nucleotide variant.
Coding change: c.3173A>G on transcript NM_201253.3 (MANE Select); coding-DNA position 3173, A replaced by G.
Protein change: p.Glu1058Gly; replaces glutamic acid 1058 with glycine.
Molecular consequence: missense variant. On other transcripts: non-coding transcript variant (2), intron variant (1).
Genome position (GRCh38, 1-based): chr1:197,435,036, A>G. VCF-style: chr1-197435036-A-G. GRCh37 (hg19) VCF-style: chr1-197404166-A-G.
Other names: c.2837A>G, p.Glu946Gly (NM_001193640.2); c.3101A>G, p.Glu1034Gly (NM_001257965.2); c.2129-564A>G (NM_001257966.2); short protein forms E1058G, E946G, E1034G.
Identifiers: ClinVar variation 2161939 (VCV002161939.2), dbSNP rs528822528, ClinGen allele CA35907090.

ClinVar aggregate classification (germline): Uncertain significance (1 of 4 stars; one submission).

Conditions:
Leber congenital amaurosis 8 (LCA8). Identifiers: Orphanet 65, MedGen C3151202, MONDO:0013453, OMIM 613835.
Retinitis pigmentosa 12 (RP12). Also called: RP WITH OR WITHOUT PRESERVED PARAARTERIOLE RETINAL PIGMENT EPITHELIUM; RETINITIS PIGMENTOSA WITH OR WITHOUT PARAARTERIOLAR PRESERVATION OF RETINAL PIGMENT EPITHELIUM; RP WITH OR WITHOUT PPRPE. Identifiers: Orphanet 791, MedGen C1838647, MONDO:0010818, OMIM 600105.

Allele frequency attached by ClinVar (database versions not stated): gnomAD 0.00001; 1000 Genomes Project 30x 0.00016; 1000 Genomes Project 0.00020.
gnomAD v4.1: 11 of 1,613,970 alleles (0.00068%); highest among the groups gnomAD compares: South Asian, 0.012%; no homozygotes.

Submission:

Labcorp Genetics (formerly Invitae), Labcorp
Classification: Uncertain significance for Leber congenital amaurosis 8; Retinitis pigmentosa 12. Last evaluated: 2024-02-26. Review status: criteria provided, single submitter. Criteria: Invitae Variant Classification Sherloc (09022015). Collection method: clinical testing. Allele origin: germline.
Comment: This sequence change replaces glutamic acid, which is acidic and polar, with glycine, which is neutral and non-polar, at codon 1058 of the CRB1 protein (p.Glu1058Gly). This variant is present in population databases (rs528822528, gnomAD 0.01%). This variant has not been reported in the literature in individuals affected with CRB1-related conditions. ClinVar contains an entry for this variant (Variation ID: 2161939). Advanced modeling of protein sequence and biophysical properties (such as structural, functional, and spatial information, amino acid conservation, physicochemical variation, residue mobility, and thermodynamic stability) has been performed at Invitae for this missense variant, however the output from this modeling did not meet the statistical confidence thresholds required to predict the impact of this variant on CRB1 protein function. In summary, the available evidence is currently insufficient to determine the role of this variant in disease. Therefore, it has been classified as a Variant of Uncertain Significance.